The following is an entry in ClinVar:

NM_001267550.2(TTN):c.102607G>A (p.Asp34203Asn)

Genes: TTN (titin; minus strand), TTN-AS1 (TTN antisense RNA 1; plus strand). Cytogenetic location: 2q31.2.
Variant type: single nucleotide variant.
Coding change: c.102607G>A on transcript NM_001267550.2 (MANE Select); coding-DNA position 102607, G replaced by A.
Protein change: p.Asp34203Asn; replaces aspartic acid 34203 with asparagine.
Molecular consequence: missense variant.
Genome position (GRCh38, 1-based): chr2:178,534,008, C>T on the plus strand (G>A on the coding strand, the complement: TTN is on the minus strand). VCF-style: chr2-178534008-C-T. GRCh37 (hg19) VCF-style: chr2-179398735-C-T.
Other names: c.97684G>A, p.Asp32562Asn (NM_001256850.1); c.75412G>A, p.Asp25138Asn (NM_003319.4); c.94903G>A, p.Asp31635Asn (NM_133378.4); c.75787G>A, p.Asp25263Asn (NM_133432.3); c.75988G>A, p.Asp25330Asn (NM_133437.4); short protein forms D31635N, D25138N, D25330N, D34203N, D25263N, D32562N.
Identifiers: ClinVar variation 4787848 (VCV004787848.1).

ClinVar aggregate classification (germline): Uncertain significance (1 of 4 stars; one submission).

Conditions:
Autosomal recessive limb-girdle muscular dystrophy type 2J (LGMDR10). Also called: Limb-girdle muscular dystrophy, type 2J; MUSCULAR DYSTROPHY, LIMB-GIRDLE, AUTOSOMAL RECESSIVE 10. Identifiers: Orphanet 140922, MedGen C1837342, MONDO:0012127, OMIM 608807.
Dilated cardiomyopathy 1G (CMD1G). Identifiers: Orphanet 154, MedGen C1858763, MONDO:0011400, OMIM 604145.

gnomAD v4.1: 5 of 1,613,832 alleles (0.00031%); highest among the groups gnomAD compares: Non-Finnish European, 0.00042%; no homozygotes.

Submission:

Labcorp Genetics (formerly Invitae), Labcorp
Classification: Uncertain significance for Dilated cardiomyopathy 1G; Autosomal recessive limb-girdle muscular dystrophy type 2J. Last evaluated: 2025-10-20. Review status: criteria provided, single submitter. Criteria: Invitae Variant Classification Sherloc (09022015). Collection method: clinical testing. Allele origin: germline.
Comment: This sequence change replaces aspartic acid, which is acidic and polar, with asparagine, which is neutral and polar, at codon 34203 of the TTN protein (p.Asp34203Asn). This variant is present in population databases (no rsID available, gnomAD 0.0009%). This variant has not been reported in the literature in individuals affected with TTN-related conditions. Experimental studies and prediction algorithms are not available or were not evaluated, and the functional significance of this variant is currently unknown. This variant is located in the M band of TTN (PMID: 25589632). Non-truncating variants in this region may be relevant for neuromuscular disorders, but have not been definitively shown to cause cardiomyopathy (PMID: 23975875). In summary, the available evidence is currently insufficient to determine the role of this variant in disease. Therefore, it has been classified as a Variant of Uncertain Significance.

Literature cited by the submitters: PubMed 25589632; PubMed 23975875.